The following is an entry in ClinVar:

ClinVar aggregate classification (germline): Uncertain significance (1 of 4 stars; one submission).

Submission:

CeGaT Center for Human Genetics Tuebingen
Classification: Uncertain significance. Last evaluated: 2022-12-01. Review status: criteria provided, single submitter. Criteria: CeGaT Center For Human Genetics Tuebingen Variant Classification Criteria Version 2. Collection method: clinical testing. Allele origin: germline. Affected: yes. Observed: 1 variant allele.
Comment: SLC6A8: PM2, PP2, PP3

NM_005629.4(SLC6A8):c.457G>A (p.Ala153Thr)

Gene: SLC6A8 (solute carrier family 6 member 8; plus strand). Cytogenetic location: Xq28.
Variant type: single nucleotide variant.
Coding change: c.457G>A on transcript NM_005629.4 (MANE Select); coding-DNA position 457, G replaced by A.
Protein change: p.Ala153Thr; replaces alanine 153 with threonine.
Molecular consequence: missense variant.
Genome position (GRCh38, 1-based): chrX:153,691,366, G>A. VCF-style: chrX-153691366-G-A. GRCh37 (hg19) VCF-style: chrX-152956821-G-A.
Other names: c.457G>A, p.Ala153Thr (NM_001142805.2); c.112G>A, p.Ala38Thr (NM_001142806.1); short protein forms A153T, A38T.
Identifiers: ClinVar variation 1879775 (VCV001879775.29), dbSNP rs2522155890, ClinGen allele CA415078639.